The following is an entry in ClinVar:

NM_001018115.3(FANCD2):c.3748G>A (p.Glu1250Lys)

Genes: FANCD2 (FA complementation group D2; plus strand), FANCD2OS (FANCD2 opposite strand; minus strand). Cytogenetic location: 3p25.3.
Variant type: single nucleotide variant.
Coding change: c.3748G>A on transcript NM_001018115.3 (MANE Select); coding-DNA position 3748, G replaced by A.
Protein change: p.Glu1250Lys; replaces glutamic acid 1250 with lysine.
Molecular consequence: missense variant. On other transcripts: intron variant (1).
Genome position (GRCh38, 1-based): chr3:10,090,356, G>A. VCF-style: chr3-10090356-G-A. GRCh37 (hg19) VCF-style: chr3-10132040-G-A.
Other names: c.3748G>A, p.Glu1250Lys (NM_001319984.2, NM_001374254.1, NM_033084.6); c.3637G>A, p.Glu1213Lys (NM_001374253.1); c.*44-8825C>T (NM_173472.2); short protein forms E1213K, E1250K.
Identifiers: ClinVar variation 3616101 (VCV003616101.3).
Genomic context (GRCh38, chr3:10,090,356, plus strand): 5'-ACTTTTGTTGTTTTCTTCCGTGTGATGATGGCTGAACTAGAGAAGACGGTGAAAAAAATT[G>A]AGCCTGGCACAGCAGCAGACTCGCAGCAGGTGAGTAAGATAATAGTCACTTCAAGAAGTG-3'
Protein context (NP_001018125.1, residues 1240-1260): AELEKTVKKI[Glu1250Lys]PGTAADSQQI

ClinVar aggregate classification (germline): Uncertain significance. Review status: criteria provided, multiple submitters, no conflicts (2 of 4 stars). 2 submissions from 2 submitters: Uncertain significance (2). Last evaluated 2025-08-24.

Conditions:
Fanconi anemia (FA). Also called: Fanconi's anemia. Identifiers: Orphanet 84, MedGen C0015625, MeSH D005199, MONDO:0019391.
Inborn genetic diseases. Identifiers: MedGen C0950123, MeSH D030342.

gnomAD v4.1: 4 of 1,608,440 alleles (0.00025%); highest among the groups gnomAD compares: African/African-American, 0.0054%; no homozygotes.

Submissions (2):

Ambry Genetics
Classification: Uncertain significance for Inborn genetic diseases. Last evaluated: 2025-08-24. Review status: criteria provided, single submitter. Criteria: Ambry Variant Classification Scheme 2023. Collection method: clinical testing. Allele origin: germline.

Labcorp Genetics (formerly Invitae), Labcorp
Classification: Uncertain significance for Fanconi anemia. Last evaluated: 2025-04-14. Review status: criteria provided, single submitter. Criteria: Invitae Variant Classification Sherloc (09022015). Collection method: clinical testing. Allele origin: germline.
Comment: This sequence change replaces glutamic acid, which is acidic and polar, with lysine, which is basic and polar, at codon 1250 of the FANCD2 protein (p.Glu1250Lys). This variant is present in population databases (rs757808149, gnomAD 0.007%). This variant has not been reported in the literature in individuals affected with FANCD2-related conditions. ClinVar contains an entry for this variant (Variation ID: 3616101). Invitae Evidence Modeling of protein sequence and biophysical properties (such as structural, functional, and spatial information, amino acid conservation, physicochemical variation, residue mobility, and thermodynamic stability) indicates that this missense variant is not expected to disrupt FANCD2 protein function with a negative predictive value of 80%. In summary, the available evidence is currently insufficient to determine the role of this variant in disease. Therefore, it has been classified as a Variant of Uncertain Significance.